The following is an entry in ClinVar:

NM_182919.4(TICAM1):c.1093C>A (p.Pro365Thr)

Gene: TICAM1 (TIR domain containing adaptor molecule 1; minus strand). Cytogenetic location: 19p13.3.
Variant type: single nucleotide variant.
Coding change: c.1093C>A on transcript NM_182919.4 (MANE Select); coding-DNA position 1093, C replaced by A.
Protein change: p.Pro365Thr; replaces proline 365 with threonine.
Molecular consequence: missense variant.
Genome position (GRCh38, 1-based): chr19:4,817,285, G>T on the plus strand (C>A on the coding strand, the complement: TICAM1 is on the minus strand). VCF-style: chr19-4817285-G-T. GRCh37 (hg19) VCF-style: chr19-4817297-G-T.
Other names: c.1051C>A, p.Pro351Thr (NM_001385678.1); c.958C>A, p.Pro320Thr (NM_001385679.1); c.451C>A, p.Pro151Thr (NM_001385680.1); short protein forms P351T, P365T, P151T, P320T.
Identifiers: ClinVar variation 4714902 (VCV004714902.1).

ClinVar aggregate classification (germline): Uncertain significance (1 of 4 stars; one submission).

Conditions:
Encephalopathy, acute, infection-induced (herpes-specific), susceptibility to, 6. Also called: Herpes simplex encephalitis, susceptibility to, 4. Identifiers: Orphanet 1930, MedGen C3553869, MONDO:0013921, OMIM 614850.

Submission:

Labcorp Genetics (formerly Invitae), Labcorp
Classification: Uncertain significance for Encephalopathy, acute, infection-induced (herpes-specific), susceptibility to, 6. Last evaluated: 2025-05-22. Review status: criteria provided, single submitter. Criteria: Invitae Variant Classification Sherloc (09022015). Collection method: clinical testing. Allele origin: germline.
Comment: This sequence change replaces proline, which is neutral and non-polar, with threonine, which is neutral and polar, at codon 365 of the TICAM1 protein (p.Pro365Thr). This variant is present in population databases (no rsID available, gnomAD 0.003%). This variant has not been reported in the literature in individuals affected with TICAM1-related conditions. An algorithm developed to predict the effect of missense changes on protein structure and function (PolyPhen-2) suggests that this variant is likely to be tolerated. In summary, the available evidence is currently insufficient to determine the role of this variant in disease. Therefore, it has been classified as a Variant of Uncertain Significance.